The following is an entry in ClinVar:

NM_002439.5(MSH3):c.1000del (p.Tyr334fs)

Genes: MSH3 (mutS homolog 3; plus strand), LOC126807437 (MED14-independent group 3 enhancer GRCh37_chr5:79968379-79969578; plus strand). Cytogenetic location: 5q14.1.
Variant type: Deletion.
Coding change: c.1000del on transcript NM_002439.5 (MANE Select); coding-DNA position 1000, one base deleted (T; older notation c.1000delT).
Protein change: p.Tyr334fs; shifts the reading frame from tyrosine 334.
Molecular consequence: frameshift variant.
Genome position (GRCh38, 1-based): chr5:80,672,831, T deleted; the last of 3 consecutive T bases (chr5:80,672,829-80,672,831); deleting any one gives the same sequence. VCF-style (leftmost placement, unchanged base first): chr5-80672828-CT-C. GRCh37 (hg19) VCF-style: chr5-79968647-CT-C.
Other names: short protein forms Y334fs.
Identifiers: ClinVar variation 3398692 (VCV003398692.1).

ClinVar aggregate classification (germline): Pathogenic (1 of 4 stars; one submission).

Conditions:
Hereditary cancer-predisposing syndrome. Also called: Hereditary Cancer Syndrome; Tumor predisposition; Hereditary neoplastic syndrome; Neoplastic Syndromes, Hereditary. Identifiers: Orphanet 140162, MedGen C0027672, MeSH D009386, MONDO:0015356.

Submission:

Ambry Genetics
Classification: Pathogenic for Hereditary cancer-predisposing syndrome. Last evaluated: 2024-07-25. Review status: criteria provided, single submitter. Criteria: Ambry Variant Classification Scheme 2023. Collection method: clinical testing. Allele origin: germline.
Comment: The c.1000delT pathogenic mutation, located in coding exon 6 of the MSH3 gene, results from a deletion of one nucleotide at nucleotide position 1000, causing a translational frameshift with a predicted alternate stop codon (p.Y334Ifs*11). This variant is considered to be rare based on population cohorts in the Genome Aggregation Database (gnomAD). This alteration is expected to result in loss of function by premature protein truncation or nonsense-mediated mRNA decay. As such, this alteration is interpreted as a disease-causing mutation.